The following is an entry in ClinVar:

ClinVar aggregate classification (germline): Uncertain significance (1 of 4 stars; one submission).

Allele frequency attached by ClinVar (database versions not stated): gnomAD exomes below 0.00001 and 0.00001; ExAC 0.00001; gnomAD 0.00002; TOPMed 0.00002.
gnomAD v4.1: 11 of 1,613,390 alleles (0.00068%); highest among the groups gnomAD compares: South Asian, 0.0055%; no homozygotes.

Submissions (2):

Labcorp Genetics (formerly Invitae), Labcorp
Classification: Uncertain significance. Last evaluated: 2021-08-14. Review status: criteria provided, single submitter. Criteria: Invitae Variant Classification Sherloc (09022015). Collection method: clinical testing. Allele origin: germline.
Comment: This sequence change replaces threonine with alanine at codon 109 of the GORAB protein (p.Thr109Ala). The threonine residue is weakly conserved and there is a small physicochemical difference between threonine and alanine. This variant is present in population databases (rs780562193, ExAC 0.01%). This variant has not been reported in the literature in individuals affected with GORAB-related conditions. Algorithms developed to predict the effect of missense changes on protein structure and function output the following: SIFT: "Tolerated"; PolyPhen-2: "Benign"; Align-GVGD: "Class C0". The alanine amino acid residue is found in multiple mammalian species, which suggests that this missense change does not adversely affect protein function. In summary, the available evidence is currently insufficient to determine the role of this variant in disease. Therefore, it has been classified as a Variant of Uncertain Significance.

Dr. Peter K. Rogan Lab, Western University
No classification provided (evidence only). Condition: Melanoma. Review status: no classification provided. Collection method: in vitro. Allele origin: not applicable. Functional consequence: retained intron. Not counted in ClinVar's aggregate classification.

NM_152281.3(GORAB):c.250A>G (p.Thr84Ala)

Gene: GORAB (golgin, RAB6 interacting; plus strand). Cytogenetic location: 1q24.2.
Variant type: single nucleotide variant.
Coding change: c.250A>G on transcript NM_152281.3 (MANE Select); coding-DNA position 250, A replaced by G.
Protein change: p.Thr84Ala; replaces threonine 84 with alanine.
Molecular consequence: missense variant. On other transcripts: 5 prime UTR variant (1), non-coding transcript variant (1).
Genome position (GRCh38, 1-based): chr1:170,539,398, A>G. VCF-style: chr1-170539398-A-G. GRCh37 (hg19) VCF-style: chr1-170508539-A-G.
Other names: c.250A>G, p.Thr84Ala (NM_001146039.2); c.-216A>G (NM_001320252.2); short protein forms T84A.
Identifiers: ClinVar variation 1372582 (VCV001372582.6), dbSNP rs780562193, ClinGen allele CA1239069.